The following is an entry in ClinVar:

ClinVar aggregate classification (germline): no classifications from unflagged records (0 of 4 stars; one submission).

Submission:

ISCA site 1
Classification: Likely benign. Last evaluated: 2018-02-09. Review status: flagged submission. Collection method: clinical testing. Allele origin: unknown. Affected: yes. Observed: 1 variant allele.
Comment: Copy number variation identified through the course of routine clinical cytogenomic testing in postnatal populations, with clinical assertions as classified by the original submitter. For data from the original published study, Kaminsky, et al. 2011 (PubMed 21844811), please see nstd101.
ClinVar note: Notes: This submission was flagged because its interpretation of this variant conflicts with the ClinGen Gene Dosage Map curation for the gene STS.
ClinVar note: Reason: Conflict with ClinGen Gene Dosage Map

GRCh38/hg38 Xp22.31(chrX:7059443-7917114)x1

Genes: VCX (variable charge X-linked; plus strand), MIR4767 (microRNA 4767; plus strand), PNPLA4 (patatin like domain 4, phospholipase and triacylglycerol lipase; minus strand), PUDP (pseudouridine 5'-phosphatase; minus strand), STS (steroid sulfatase; plus strand) and 11 more. Cytogenetic location: Xp22.31.
Variant type: copy number loss.
Change: copy number 1 of chrX:7,059,443-7,917,114 (857.7 kb, GRCh38 coordinates, 1-based), cytogenetic band Xp22.31.
Identifiers: ClinVar variation 149969 (VCV000149969.3).